The following is an entry in ClinVar:

ClinVar aggregate classification (germline): Uncertain significance (1 of 4 stars; one submission).

Allele frequency attached by ClinVar (database versions not stated): gnomAD exomes below 0.00001; TOPMed below 0.00001; gnomAD 0.00001.
gnomAD v4.1: 3 of 1,614,078 alleles (0.00019%); highest among the groups gnomAD compares: Non-Finnish European, 0.00025%; no homozygotes.

Submission:

Labcorp Genetics (formerly Invitae), Labcorp
Classification: Uncertain significance. Last evaluated: 2022-07-25. Review status: criteria provided, single submitter. Criteria: Invitae Variant Classification Sherloc (09022015). Collection method: clinical testing. Allele origin: germline.
Comment: This variant has not been reported in the literature in individuals affected with TCF20-related conditions. In summary, the available evidence is currently insufficient to determine the role of this variant in disease. Therefore, it has been classified as a Variant of Uncertain Significance. Algorithms developed to predict the effect of missense changes on protein structure and function (SIFT, PolyPhen-2, Align-GVGD) all suggest that this variant is likely to be tolerated. This variant is not present in population databases (gnomAD no frequency). This sequence change replaces alanine, which is neutral and non-polar, with threonine, which is neutral and polar, at codon 66 of the TCF20 protein (p.Ala66Thr).

NM_001378418.1(TCF20):c.196G>A (p.Ala66Thr)

Gene: TCF20 (transcription factor 20; minus strand). Cytogenetic location: 22q13.2.
Variant type: single nucleotide variant.
Coding change: c.196G>A on transcript NM_001378418.1 (MANE Select); coding-DNA position 196, G replaced by A.
Protein change: p.Ala66Thr; replaces alanine 66 with threonine.
Molecular consequence: missense variant.
Genome position (GRCh38, 1-based): chr22:42,215,110, C>T on the plus strand (G>A on the coding strand, the complement: TCF20 is on the minus strand). VCF-style: chr22-42215110-C-T. GRCh37 (hg19) VCF-style: chr22-42611116-C-T.
Other names: c.196G>A, p.Ala66Thr (NM_005650.4, NM_181492.3); short protein forms A66T.
Identifiers: ClinVar variation 2172498 (VCV002172498.4), dbSNP rs1320957208, ClinGen allele CA411793523.
Genomic context (GRCh38, chr22:42,215,110, plus strand): 5'-CCTCTTTCCTGAAACCCTGGTAACCTTGATGGCCAGAGGTCTCGCTAGCCATCGCTGCCG[C>T]AGCAGCTGCTGCTCCTCGTCGTCCACCACCACTGCCACTGCCACTGCTGCCACTACTGCC-3'
Protein context (NP_001365347.1, residues 56-76): GGGRRGAAAA[Ala66Thr]AAMASETSGH